The following is an entry in ClinVar:

ClinVar aggregate classification (germline): Benign/Likely benign. Review status: criteria provided, multiple submitters, no conflicts (2 of 4 stars). 2 submissions from 2 submitters: Benign (1); Likely benign (1). Last evaluated 2025-08-15.

Allele frequency attached by ClinVar (database versions not stated): 1000 Genomes Project 30x 0.00047; ESP Exome Variant Server 0.00047; 1000 Genomes Project 0.00060.
gnomAD v4.1: 1,148 of 1,614,042 alleles (0.071%); highest among the groups gnomAD compares: South Asian, 0.71%; 15 homozygotes.

Submissions (4):

Labcorp Genetics (formerly Invitae), Labcorp
Classification: Benign. Last evaluated: 2025-08-15. Review status: criteria provided, single submitter. Criteria: Invitae Variant Classification Sherloc (09022015). Collection method: clinical testing. Allele origin: germline.

CeGaT Center for Human Genetics Tuebingen
Classification: Likely benign. Last evaluated: 2023-03-01. Review status: criteria provided, single submitter. Criteria: CeGaT Center For Human Genetics Tuebingen Variant Classification Criteria Version 2. Collection method: clinical testing. Allele origin: germline. Affected: yes. Observed: 1 variant allele.
Comment: HTT: BP4, BP7, BS2

Dr. Peter K. Rogan Lab, Western University
No classification provided (evidence only). Condition: Thyroid cancer, nonmedullary, 1. Review status: no classification provided. Collection method: in vitro. Allele origin: not applicable. Functional consequence: retained intron. Not counted in ClinVar's aggregate classification.

Dr. Peter K. Rogan Lab, Western University
No classification provided (evidence only). Condition: Uveal melanoma. Review status: no classification provided. Collection method: in vitro. Allele origin: not applicable. Functional consequence: retained intron. Not counted in ClinVar's aggregate classification.

NM_001388492.1(HTT):c.8520T>A (p.Ile2840=)

Gene: HTT (huntingtin; plus strand). Cytogenetic location: 4p16.3.
Variant type: single nucleotide variant.
Coding change: c.8520T>A on transcript NM_001388492.1 (MANE Select); coding-DNA position 8520, T replaced by A.
Protein change: p.Ile2840=; no amino-acid change (isoleucine 2840 retained).
Molecular consequence: synonymous variant.
Genome position (GRCh38, 1-based): chr4:3,235,347, T>A. VCF-style: chr4-3235347-T-A. GRCh37 (hg19) VCF-style: chr4-3237074-T-A.
Other names: c.8526T>A, p.Ile2842= (NM_002111.8).
Identifiers: ClinVar variation 1562277 (VCV001562277.32), dbSNP rs201724113, ClinGen allele CA2825718.